The following is an entry in ClinVar:

NM_003482.4(KMT2D):c.740G>A (p.Cys247Tyr)

Gene: KMT2D (lysine methyltransferase 2D; minus strand). Cytogenetic location: 12q13.12.
Variant type: single nucleotide variant.
Coding change: c.740G>A on transcript NM_003482.4 (MANE Select); coding-DNA position 740, G replaced by A.
Protein change: p.Cys247Tyr; replaces cysteine 247 with tyrosine.
Molecular consequence: missense variant.
Genome position (GRCh38, 1-based): chr12:49,053,575, C>T on the plus strand (G>A on the coding strand, the complement: KMT2D is on the minus strand). VCF-style: chr12-49053575-C-T. GRCh37 (hg19) VCF-style: chr12-49447358-C-T.
Other names: short protein forms C247Y.
Identifiers: ClinVar variation 4537542 (VCV004537542.1).

ClinVar aggregate classification (germline): Uncertain significance (1 of 4 stars; one submission).

Submission:

GeneDx
Classification: Uncertain significance. Last evaluated: 2025-06-12. Review status: criteria provided, single submitter. Criteria: GeneDx Variant Classification Process June 2021. Collection method: clinical testing. Allele origin: germline. Affected: yes.
Comment: Not observed at significant frequency in large population cohorts (gnomAD); In silico analysis supports that this missense variant has a deleterious effect on protein structure/function; Has not been previously published as pathogenic or benign to our knowledge